The following is an entry in ClinVar:

ClinVar aggregate classification (germline): Uncertain significance (1 of 4 stars; one submission).

Conditions:
Aortic aneurysm, familial thoracic 8 (AAT8). Identifiers: MedGen C3809513, MONDO:0014187, OMIM 615436.

Submission:

Labcorp Genetics (formerly Invitae), Labcorp
Classification: Uncertain significance for Aortic aneurysm, familial thoracic 8. Last evaluated: 2020-08-21. Review status: criteria provided, single submitter. Criteria: Invitae Variant Classification Sherloc (09022015). Collection method: clinical testing. Allele origin: germline.
Comment: In summary, the available evidence is currently insufficient to determine the role of this variant in disease. Therefore, it has been classified as a Variant of Uncertain Significance. This variant has not been reported in the literature in individuals with PRKG1-related conditions. This variant results in a copy number gain of the genomic region encompassing exon(s) 10-18 of the PRKG1 gene. The 5' boundary is likely confined to intron 10. The 3' end of this event is unknown as it extends beyond the assayed region for this gene and therefore may encompass additional genes. As the precise location of this event is unknown, it may be in tandem or it may be located elsewhere in the genome. Experimental studies and prediction algorithms are not available or were not evaluated, and the functional significance of this variant is currently unknown.

NC_000010.10:g.(?_54011320)_(54530789_?)dup

Genes: DKK1 (dickkopf WNT signaling pathway inhibitor 1; plus strand), MBL2 (mannose binding lectin 2; minus strand), PRKG1 (protein kinase cGMP-dependent 1; plus strand). Cytogenetic location: 10q21.1.
Variant type: Duplication.
Identifiers: ClinVar variation 1023392 (VCV001023392.5).